The following is an entry in ClinVar:

ClinVar aggregate classification (germline): Uncertain significance (1 of 4 stars; one submission).

Submission:

Labcorp Genetics (formerly Invitae), Labcorp
Classification: Uncertain significance. Last evaluated: 2020-10-27. Review status: criteria provided, single submitter. Criteria: Invitae Variant Classification Sherloc (09022015). Collection method: clinical testing. Allele origin: germline.
Comment: In summary, the available evidence is currently insufficient to determine the role of this variant in disease. Therefore, it has been classified as a Variant of Uncertain Significance. Nucleotide substitutions within the consensus splice site are a relatively common cause of aberrant splicing (PMID: 17576681, 9536098). Algorithms developed to predict the effect of sequence changes on RNA splicing suggest that this variant may disrupt the consensus splice site, but this prediction has not been confirmed by published transcriptional studies. This variant has not been reported in the literature in individuals with IMPG2-related conditions. This variant is not present in population databases (ExAC no frequency). This sequence change falls in intron 10 of the IMPG2 gene. It does not directly change the encoded amino acid sequence of the IMPG2 protein. It affects a nucleotide within the consensus splice site of the intron.

Literature cited by the submitters: PubMed 17576681; PubMed 9536098.

NM_016247.4(IMPG2):c.1153+6T>G

Gene: IMPG2 (interphotoreceptor matrix proteoglycan 2; minus strand). Cytogenetic location: 3q12.3.
Variant type: single nucleotide variant.
Coding change: c.1153+6T>G on transcript NM_016247.4 (MANE Select); 6 bases into the intron after coding-DNA position 1153, T replaced by G.
Molecular consequence: intron variant.
Genome position (GRCh38, 1-based): chr3:101,257,523, A>C on the plus strand (T>G on the coding strand, the complement: IMPG2 is on the minus strand). VCF-style: chr3-101257523-A-C. GRCh37 (hg19) VCF-style: chr3-100976367-A-C.
Identifiers: ClinVar variation 1007958 (VCV001007958.5), dbSNP rs1706623613, ClinGen allele CA1388622133.